The following is an entry in ClinVar:

ClinVar aggregate classification (germline): Benign. Review status: criteria provided, multiple submitters, no conflicts (2 of 4 stars). 4 submissions from 4 submitters: Benign (4). Last evaluated 2026-02-04.

Conditions:
Autosomal recessive limb-girdle muscular dystrophy type 2C (LGMDR5). Also called: MUSCULAR DYSTROPHY, DUCHENNE-LIKE; MUSCULAR DYSTROPHY, LIMB-GIRDLE, AUTOSOMAL RECESSIVE 5. Identifiers: Orphanet 353, MedGen C0410173, MONDO:0009677, OMIM 253700. Disease mechanism: Affects gamma-sarcoglycan and also disrupts the integrity of the entire sarcoglycan complex..

Allele frequency attached by ClinVar (database versions not stated): gnomAD 0.16253 and 0.15696; ESP Exome Variant Server 0.17892; 1000 Genomes Project 0.12220; gnomAD exomes 0.12421; 1000 Genomes Project 30x 0.12929; TOPMed 0.15817.

Submissions (4):

Labcorp Genetics (formerly Invitae), Labcorp
Classification: Benign for Autosomal recessive limb-girdle muscular dystrophy type 2C. Last evaluated: 2026-02-04. Review status: criteria provided, single submitter. Criteria: Invitae Variant Classification Sherloc (09022015). Collection method: clinical testing. Allele origin: germline.

Athena Diagnostics
Classification: Benign. Last evaluated: 2017-04-13. Review status: criteria provided, single submitter. Criteria: Athena Diagnostics Criteria. Collection method: clinical testing. Allele origin: germline.

GeneDx
Classification: Benign. Last evaluated: 2016-01-26. Review status: criteria provided, single submitter. Criteria: GeneDx Variant Classification (06012015). Collection method: clinical testing. Allele origin: germline. Affected: yes.
Comment: This variant is considered likely benign or benign based on one or more of the following criteria: it is a conservative change, it occurs at a poorly conserved position in the protein, it is predicted to be benign by multiple in silico algorithms, and/or has population frequency not consistent with disease.

PreventionGenetics, part of Exact Sciences
Classification: Benign. Review status: criteria provided, single submitter. Criteria: ACMG Guidelines, 2015. Collection method: clinical testing. Allele origin: germline.

NM_000231.3(SGCG):c.860= (p.Asn287=)

Gene: SGCG (sarcoglycan gamma; plus strand). Cytogenetic location: 13q12.12.
Variant type: single nucleotide variant.
Coding change: c.860= on transcript NM_000231.3 (MANE Select); coding-DNA position 860, no change from the reference sequence.
Protein change: p.Asn287=; no amino-acid change (asparagine 287 retained).
Molecular consequence: no sequence alteration.
Genome position: GRCh38 VCF-style: chr13-23324525-A-A. GRCh37 (hg19) VCF-style: chr13-23898664-A-A.
Other names: c.914=, p.Asn305= (NM_001378244.1); c.860=, p.Asn287= (NM_001378245.1, NM_001378246.1); short protein forms S287N.
Identifiers: ClinVar variation 255604 (VCV000255604.12), dbSNP rs1800354.